The following is an entry in ClinVar:

NM_000503.6(EYA1):c.1053T>G (p.Asp351Glu)

Gene: EYA1 (EYA transcriptional coactivator and phosphatase 1; minus strand). Cytogenetic location: 8q13.3.
Variant type: single nucleotide variant.
Coding change: c.1053T>G on transcript NM_000503.6 (MANE Select); coding-DNA position 1053, T replaced by G.
Protein change: p.Asp351Glu; replaces aspartic acid 351 with glutamic acid.
Molecular consequence: missense variant. On other transcripts: intron variant (2).
Genome position (GRCh38, 1-based): chr8:71,244,690, A>C on the plus strand (T>G on the coding strand, the complement: EYA1 is on the minus strand). VCF-style: chr8-71244690-A-C. GRCh37 (hg19) VCF-style: chr8-72156925-A-C.
Other names: c.1035T>G, p.Asp345Glu (NM_001288574.2); c.687T>G, p.Asp229Glu (NM_001288575.2); c.1140T>G, p.Asp380Glu (NM_001370333.1); c.1053T>G, p.Asp351Glu (NM_001370334.1, NM_001370335.1, NM_172058.4); c.954T>G, p.Asp318Glu (NM_001411797.1, NM_172060.4); c.1119+25050T>G (NM_001370336.1); c.1122+25050T>G (NM_172059.5); short protein forms D229E, D318E, D345E, D351E, D380E.
Identifiers: ClinVar variation 2502735 (VCV002502735.1), dbSNP rs2537653589, ClinGen allele CA371467877.

ClinVar aggregate classification (germline): Uncertain significance (1 of 4 stars; one submission).

Submission:

GeneDx
Classification: Uncertain significance. Last evaluated: 2022-11-17. Review status: criteria provided, single submitter. Criteria: GeneDx Variant Classification Process June 2021. Collection method: clinical testing. Allele origin: germline. Affected: yes.
Comment: Not observed at significant frequency in large population cohorts (gnomAD); In silico analysis supports that this missense variant has a deleterious effect on protein structure/function; Has not been previously published as pathogenic or benign to our knowledge